The following is an entry in ClinVar:

ClinVar aggregate classification (germline): Uncertain significance (1 of 4 stars; one submission).

Conditions:
Muscular dystrophy-dystroglycanopathy (congenital with brain and eye anomalies), type a, 12 (MDDGA12). Also called: WALKER-WARBURG SYNDROME OR MUSCLE-EYE-BRAIN DISEASE, POMK-RELATED. Identifiers: Orphanet 899, MedGen C3808964, MONDO:0014101, OMIM 615249.
Limb-girdle muscular dystrophy due to POMK deficiency. Also called: Muscular dystrophy-dystroglycanopathy (limb-girdle), type c, 12; MUSCULAR DYSTROPHY-DYSTROGLYCANOPATHY, LIMB-GIRDLE, POMK-RELATED. Identifiers: Orphanet 445110, MedGen C4015184, MONDO:0014489, OMIM 616094.

Submission:

Labcorp Genetics (formerly Invitae), Labcorp
Classification: Uncertain significance for Muscular dystrophy-dystroglycanopathy (congenital with brain and eye anomalies), type a, 12; Limb-girdle muscular dystrophy due to POMK deficiency. Last evaluated: 2022-05-08. Review status: criteria provided, single submitter. Criteria: Invitae Variant Classification Sherloc (09022015). Collection method: clinical testing. Allele origin: germline.
Comment: In summary, the available evidence is currently insufficient to determine the role of this variant in disease. Therefore, it has been classified as a Variant of Uncertain Significance. Algorithms developed to predict the effect of missense changes on protein structure and function (SIFT, PolyPhen-2, Align-GVGD) all suggest that this variant is likely to be disruptive. This sequence change replaces histidine, which is basic and polar, with aspartic acid, which is acidic and polar, at codon 193 of the POMK protein (p.His193Asp). This variant is not present in population databases (gnomAD no frequency). This variant has not been reported in the literature in individuals affected with POMK-related conditions.

NM_032237.5(POMK):c.577C>G (p.His193Asp)

Gene: POMK (protein O-mannose kinase; plus strand). Cytogenetic location: 8p11.21.
Variant type: single nucleotide variant.
Coding change: c.577C>G on transcript NM_032237.5 (MANE Select); coding-DNA position 577, C replaced by G.
Protein change: p.His193Asp; replaces histidine 193 with aspartic acid.
Molecular consequence: missense variant.
Genome position (GRCh38, 1-based): chr8:43,122,401, C>G. VCF-style: chr8-43122401-C-G. GRCh37 (hg19) VCF-style: chr8-42977544-C-G.
Other names: c.577C>G, p.His193Asp (NM_001277971.2); short protein forms H193D.
Identifiers: ClinVar variation 2135480 (VCV002135480.4), dbSNP rs2486780434, ClinGen allele CA371122215.